The following is an entry in ClinVar:

ClinVar aggregate classification (germline): Uncertain significance (1 of 4 stars; one submission).

Conditions:
Neurofibromatosis, type 1 (NF1). Also called: NEUROFIBROMATOSIS, TYPE I, SOMATIC; Neurofibromatosis, type I; VON RECKLINGHAUSEN DISEASE; Peripheral type neurofibromatosis. Identifiers: Orphanet 636, MedGen C0027831, MONDO:0018975, OMIM 162200. Disease mechanism: loss of function.

Submission:

Labcorp Genetics (formerly Invitae), Labcorp
Classification: Uncertain significance for Neurofibromatosis, type 1. Last evaluated: 2020-07-07. Review status: criteria provided, single submitter. Criteria: Invitae Variant Classification Sherloc (09022015). Collection method: clinical testing. Allele origin: germline.
Comment: In summary, the available evidence is currently insufficient to determine the role of this variant in disease. Therefore, it has been classified as a Variant of Uncertain Significance. Algorithms developed to predict the effect of missense changes on protein structure and function are either unavailable or do not agree on the potential impact of this missense change (SIFT: "Deleterious"; PolyPhen-2: "Benign"; Align-GVGD: "Class C0"). This variant has not been reported in the literature in individuals with NF1-related conditions. This variant is not present in population databases (ExAC no frequency). This sequence change replaces phenylalanine with leucine at codon 250 of the NF1 protein (p.Phe250Leu). The phenylalanine residue is moderately conserved and there is a small physicochemical difference between phenylalanine and leucine.

NM_001042492.3(NF1):c.750T>A (p.Phe250Leu)

Gene: NF1 (neurofibromin 1; plus strand). Cytogenetic location: 17q11.2.
Variant type: single nucleotide variant.
Coding change: c.750T>A on transcript NM_001042492.3 (MANE Select); coding-DNA position 750, T replaced by A.
Protein change: p.Phe250Leu; replaces phenylalanine 250 with leucine.
Molecular consequence: missense variant.
Genome position (GRCh38, 1-based): chr17:31,182,527, T>A. VCF-style: chr17-31182527-T-A. GRCh37 (hg19) VCF-style: chr17-29509545-T-A.
Other names: c.750T>A, p.Phe250Leu (NM_000267.4, NM_001128147.3); short protein forms F250L.
Identifiers: ClinVar variation 1057392 (VCV001057392.5), dbSNP rs2143785091, ClinGen allele CA398990600.